The following is an entry in ClinVar:

NM_001384732.1(CPLANE1):c.977G>A (p.Ser326Asn)

Gene: CPLANE1 (ciliogenesis and planar polarity effector complex subunit 1; minus strand). Cytogenetic location: 5p13.2.
Variant type: single nucleotide variant.
Coding change: c.977G>A on transcript NM_001384732.1 (MANE Select); coding-DNA position 977, G replaced by A.
Protein change: p.Ser326Asn; replaces serine 326 with asparagine.
Molecular consequence: missense variant.
Genome position (GRCh38, 1-based): chr5:37,231,011, C>T on the plus strand (G>A on the coding strand, the complement: CPLANE1 is on the minus strand). VCF-style: chr5-37231011-C-T. GRCh37 (hg19) VCF-style: chr5-37231113-C-T.
Other names: c.977G>A, p.Ser326Asn (NM_023073.4); short protein forms S326N.
Identifiers: ClinVar variation 1001752 (VCV001001752.7), dbSNP rs1229752578, ClinGen allele CA359510681.

ClinVar aggregate classification (germline): Uncertain significance. Review status: criteria provided, multiple submitters, no conflicts (2 of 4 stars). 2 submissions from 2 submitters: Uncertain significance (2). Last evaluated 2022-10-05.

Conditions:
Joubert syndrome 17 (JBTS17). Identifiers: Orphanet 475, MedGen C3553264, MONDO:0013824, OMIM 614615.

Allele frequency attached by ClinVar (database versions not stated): TOPMed below 0.00001; gnomAD exomes 0.00001.
gnomAD v4.1: 6 of 1,549,344 alleles (0.00039%); highest among the groups gnomAD compares: Admixed American, 0.012%; no homozygotes.

Submissions (2):

Labcorp Genetics (formerly Invitae), Labcorp
Classification: Uncertain significance. Last evaluated: 2022-10-05. Review status: criteria provided, single submitter. Criteria: Invitae Variant Classification Sherloc (09022015). Collection method: clinical testing. Allele origin: germline.
Comment: This sequence change replaces serine, which is neutral and polar, with asparagine, which is neutral and polar, at codon 326 of the CPLANE1 protein (p.Ser326Asn). This variant is present in population databases (no rsID available, gnomAD 0.009%). This variant has not been reported in the literature in individuals affected with CPLANE1-related conditions. ClinVar contains an entry for this variant (Variation ID: 1001752). Advanced modeling of protein sequence and biophysical properties (such as structural, functional, and spatial information, amino acid conservation, physicochemical variation, residue mobility, and thermodynamic stability) performed at Invitae indicates that this missense variant is not expected to disrupt CPLANE1 protein function. In summary, the available evidence is currently insufficient to determine the role of this variant in disease. Therefore, it has been classified as a Variant of Uncertain Significance.

Baylor Genetics
Classification: Uncertain significance for Joubert syndrome 17. Last evaluated: 2018-02-11. Review status: criteria provided, single submitter. Criteria: ACMG Guidelines, 2015. Collection method: clinical testing. Allele origin: unknown. Affected: yes.
Comment: This variant was determined to be of uncertain significance according to ACMG Guidelines, 2015 [PMID:25741868].